The following is an entry in ClinVar:

NM_001750.7(CAST):c.1133C>T (p.Ser378Leu)

Gene: CAST (calpastatin; plus strand). Cytogenetic location: 5q15.
Variant type: single nucleotide variant.
Coding change: c.1133C>T on transcript NM_001750.7 (MANE Select); coding-DNA position 1133, C replaced by T.
Protein change: p.Ser378Leu; replaces serine 378 with leucine.
Molecular consequence: missense variant.
Genome position (GRCh38, 1-based): chr5:96,742,689, C>T. VCF-style: chr5-96742689-C-T. GRCh37 (hg19) VCF-style: chr5-96078393-C-T.
Other names: c.1010C>T, p.Ser337Leu (NM_001042440.5, NM_001330627.2); c.1076C>T, p.Ser359Leu (NM_001042441.3); c.1067C>T, p.Ser356Leu (NM_001042442.3); c.884C>T, p.Ser295Leu (NM_001042443.3); c.761C>T, p.Ser254Leu (NM_001042444.3, NM_001284212.4); c.779C>T, p.Ser260Leu (NM_001042445.3); c.722C>T, p.Ser241Leu (NM_001042446.3, NM_001330630.2); c.845C>T, p.Ser282Leu (NM_001190442.2, NM_001330631.2); and 8 more; short protein forms S223L, S241L, S254L, S260L, S263L, S273L, S276L, S282L.
Identifiers: ClinVar variation 1556034 (VCV001556034.19), dbSNP rs149270486, ClinGen allele CA3351126.
Genomic context (GRCh38, chr5:96,742,689, plus strand): 5'-TGCACAGGATTTTTTACTTTTAACAGGATACAATGAGTGATCAAGCACTCGAGGCTCTGT[C>T]GGCTTCACTGGGCACCCGGCAAGCAGAACCTGAGCTCGACCTCCGCTCAATTAAGGAAGT-3'
Protein context (NP_001741.4, residues 368-388): TMSDQALEAL[Ser378Leu]ASLGTRQAEP

ClinVar aggregate classification (germline): Conflicting classifications of pathogenicity. Review status: criteria provided, conflicting classifications (1 of 4 stars). 3 submissions from 3 submitters: Uncertain significance (1); Likely benign (2). Last evaluated 2025-09-03.

Allele frequency attached by ClinVar (database versions not stated): TOPMed 0.00039; ESP Exome Variant Server 0.00046; gnomAD exomes 0.00058 and 0.00064; gnomAD 0.00060 and 0.00064; ExAC 0.00066.
gnomAD v4.1: 923 of 1,613,790 alleles (0.057%); highest among the groups gnomAD compares: Non-Finnish European, 0.059%; no homozygotes.

Submissions (3):

Labcorp Genetics (formerly Invitae), Labcorp
Classification: Likely benign. Last evaluated: 2025-09-03. Review status: criteria provided, single submitter. Criteria: Invitae Variant Classification Sherloc (09022015). Collection method: clinical testing. Allele origin: germline.

CeGaT Center for Human Genetics Tuebingen
Classification: Uncertain significance. Last evaluated: 2025-06-01. Review status: criteria provided, single submitter. Criteria: CeGaT Center For Human Genetics Tuebingen Variant Classification Criteria Version 2. Collection method: clinical testing. Allele origin: germline. Affected: yes. Observed: 1 variant allele.
Comment: CAST: PM2, BP4

Laboratory of Genetics, Children's Clinical University Hospital Latvia
Classification: Likely benign. Last evaluated: 2025-02-16. Review status: criteria provided, single submitter. Criteria: ACMG Guidelines, 2015. Collection method: clinical testing. Allele origin: germline. Affected: yes.